The following is an entry in ClinVar:

ClinVar aggregate classification (germline): Uncertain significance (1 of 4 stars; one submission).

gnomAD v4.1: 1 of 1,613,404 alleles (0.000062%); highest among the groups gnomAD compares: South Asian, 0.0011%; no homozygotes.

Submission:

Labcorp Genetics (formerly Invitae), Labcorp
Classification: Uncertain significance. Last evaluated: 2024-03-10. Review status: criteria provided, single submitter. Criteria: Invitae Variant Classification Sherloc (09022015). Collection method: clinical testing. Allele origin: germline.
Comment: This sequence change replaces threonine, which is neutral and polar, with alanine, which is neutral and non-polar, at codon 311 of the MYO7A protein (p.Thr311Ala). This variant is not present in population databases (gnomAD no frequency). This variant has not been reported in the literature in individuals affected with MYO7A-related conditions. Advanced modeling of protein sequence and biophysical properties (such as structural, functional, and spatial information, amino acid conservation, physicochemical variation, residue mobility, and thermodynamic stability) performed at Invitae indicates that this missense variant is not expected to disrupt MYO7A protein function with a negative predictive value of 95%. In summary, the available evidence is currently insufficient to determine the role of this variant in disease. Therefore, it has been classified as a Variant of Uncertain Significance.

NM_000260.4(MYO7A):c.931A>G (p.Thr311Ala)

Gene: MYO7A (myosin VIIA; plus strand). Cytogenetic location: 11q13.5.
Variant type: single nucleotide variant.
Coding change: c.931A>G on transcript NM_000260.4 (MANE Select); coding-DNA position 931, A replaced by G.
Protein change: p.Thr311Ala; replaces threonine 311 with alanine.
Molecular consequence: missense variant.
Genome position (GRCh38, 1-based): chr11:77,158,358, A>G. VCF-style: chr11-77158358-A-G. GRCh37 (hg19) VCF-style: chr11-76869404-A-G.
Other names: c.931A>G, p.Thr311Ala (NM_001127180.2); c.898A>G, p.Thr300Ala (NM_001369365.1); short protein forms T300A, T311A.
Identifiers: ClinVar variation 3675892 (VCV003675892.2).